The following is an entry in ClinVar:

NM_004937.3(CTNS):c.615C>T (p.Asp205=)

Genes: CTNS (cystinosin, lysosomal cystine transporter; plus strand), CTNS-AS1 (CTNS antisense RNA 1; minus strand). Cytogenetic location: 17p13.2.
Variant type: single nucleotide variant.
Coding change: c.615C>T on transcript NM_004937.3 (MANE Select); coding-DNA position 615, C replaced by T.
Protein change: p.Asp205=; no amino-acid change (aspartic acid 205 retained).
Molecular consequence: synonymous variant.
Genome position (GRCh38, 1-based): chr17:3,656,729, C>T. VCF-style: chr17-3656729-C-T. GRCh37 (hg19) VCF-style: chr17-3560023-C-T.
Other names: c.615C>T, p.Asp205= (NM_001031681.3, NM_001374492.1); c.174C>T, p.Asp58= (NM_001374493.1, NM_001374494.1, NM_001374495.1 and 1 more transcripts).
Identifiers: ClinVar variation 1126314 (VCV001126314.19), dbSNP rs756137690, ClinGen allele CA8291798.

ClinVar aggregate classification (germline): Likely benign. Review status: criteria provided, multiple submitters, no conflicts (2 of 4 stars). 2 submissions from 2 submitters: Likely benign (2). Last evaluated 2025-06-01.

Conditions:
Ocular cystinosis. Also called: Non-Nephropathic (Ocular) Cystinosis; Non-Nephropathic Cystinosis. Identifiers: Orphanet 213, Orphanet 411641, MedGen C2931013, MONDO:0009064, OMIM 219750.
Juvenile nephropathic cystinosis. Also called: CYSTINOSIS, LATE-ONSET JUVENILE OR ADOLESCENT NEPHROPATHIC TYPE; Later-Onset (Juvenile) Cystinosis; Intermediate Cystinosis. Identifiers: Orphanet 213, Orphanet 411634, MedGen C0268626, MONDO:0009066, OMIM 219900.
Inborn genetic diseases. Identifiers: MedGen C0950123, MeSH D030342.

Allele frequency attached by ClinVar (database versions not stated): gnomAD exomes 0.00001; TOPMed 0.00001; ExAC 0.00002.
gnomAD v4.1: 17 of 1,613,580 alleles (0.0011%); highest among the groups gnomAD compares: Non-Finnish European, 0.0012%; no homozygotes.

Submissions (2):

CeGaT Center for Human Genetics Tuebingen
Classification: Likely benign. Last evaluated: 2025-06-01. Review status: criteria provided, single submitter. Criteria: CeGaT Center For Human Genetics Tuebingen Variant Classification Criteria Version 2. Collection method: clinical testing. Allele origin: germline. Affected: yes. Observed: 1 variant allele.
Comment: CTNS: BP4, BP7

Labcorp Genetics (formerly Invitae), Labcorp
Classification: Likely benign for Inborn genetic diseases; Ocular cystinosis; Juvenile nephropathic cystinosis. Last evaluated: 2024-01-26. Review status: criteria provided, single submitter. Criteria: Invitae Variant Classification Sherloc (09022015). Collection method: clinical testing. Allele origin: germline.